The following is an entry in ClinVar:

NM_014874.4(MFN2):c.816+260C>T

Gene: MFN2 (mitofusin 2; plus strand). Cytogenetic location: 1p36.22.
Variant type: single nucleotide variant.
Coding change: c.816+260C>T on transcript NM_014874.4 (MANE Select); 260 bases into the intron after coding-DNA position 816, C replaced by T.
Molecular consequence: intron variant.
Genome position (GRCh38, 1-based): chr1:11,999,355, C>T. VCF-style: chr1-11999355-C-T. GRCh37 (hg19) VCF-style: chr1-12059412-C-T.
Other names: c.816+260C>T (NM_001127660.2).
Identifiers: ClinVar variation 684255 (VCV000684255.1), dbSNP rs2295281, ClinGen allele CA15109201.
Genomic context (GRCh38, chr1:11,999,355, plus strand): 5'-TCAAGCCACTCTCCCCTAGGCCTAAAAAGGATCCCTGCTGCATTAGTGCATCTTCAGTGC[C>T]GGTGCTCAGTTTGGTTTCTGAGGAATTAATACAGAACAGGCTCAGCTCTAGGGAGGCCTC-3'

ClinVar aggregate classification (germline): Benign (1 of 4 stars; one submission).

Allele frequency attached by ClinVar (database versions not stated): 1000 Genomes Project 30x 0.40896; 1000 Genomes Project 0.41114; TOPMed 0.44152; gnomAD 0.45894 and 0.46074.
gnomAD v4.1: 69,901 of 151,936 alleles (46%); highest among the groups gnomAD compares: Non-Finnish European, 53%; 17,069 homozygotes.

Submission:

GeneDx
Classification: Benign. Last evaluated: 2018-06-19. Review status: criteria provided, single submitter. Criteria: GeneDx Variant Classification (06012015). Collection method: clinical testing. Allele origin: germline. Affected: yes.
Comment: This variant is considered likely benign or benign based on one or more of the following criteria: it is a conservative change, it occurs at a poorly conserved position in the protein, it is predicted to be benign by multiple in silico algorithms, and/or has population frequency not consistent with disease.